The following is an entry in ClinVar:

NM_001875.5(CPS1):c.4252C>G (p.Pro1418Ala)

Gene: CPS1 (carbamoyl-phosphate synthase 1; plus strand). Cytogenetic location: 2q34.
Variant type: single nucleotide variant.
Coding change: c.4252C>G on transcript NM_001875.5 (MANE Select); coding-DNA position 4252, C replaced by G.
Protein change: p.Pro1418Ala; replaces proline 1418 with alanine.
Molecular consequence: missense variant. On other transcripts: non-coding transcript variant (2).
Genome position (GRCh38, 1-based): chr2:210,675,818, C>G. VCF-style: chr2-210675818-C-G. GRCh37 (hg19) VCF-style: chr2-211540542-C-G.
Other names: c.4252C>G, p.Pro1418Ala (NM_001122633.3, NM_001369257.1); c.4285C>G, p.Pro1429Ala (NM_001369256.1); short protein forms P1418A, P1429A.
Identifiers: ClinVar variation 2197084 (VCV002197084.2), dbSNP rs150966847, ClinGen allele CA2087231.

ClinVar aggregate classification (germline): Uncertain significance. Review status: criteria provided, multiple submitters, no conflicts (2 of 4 stars). 2 submissions from 2 submitters: Uncertain significance (2). Last evaluated 2025-02-27.

Conditions:
Congenital hyperammonemia, type I. Also called: CPS I DEFICIENCY; Carbamoyl-phosphate synthase I deficiency; Carbamoyl phosphate synthetase 1 deficiency; Hyperammonemia due to carbamoyl phosphate synthetase 1 deficiency; CPS 1 deficiency; Carbamyl phosphate synthetase (CPS) deficiency. Identifiers: Orphanet 147, MedGen C4082171, MONDO:0009376, OMIM 237300.
Inborn genetic diseases. Identifiers: MedGen C0950123, MeSH D030342.

gnomAD v4.1: 22 of 1,558,398 alleles (0.0014%); highest among the groups gnomAD compares: Middle Eastern, 0.084%; 1 homozygote.

Submissions (2):

Ambry Genetics
Classification: Uncertain significance for Inborn genetic diseases. Last evaluated: 2025-02-27. Review status: criteria provided, single submitter. Criteria: Ambry Variant Classification Scheme 2023. Collection method: clinical testing. Allele origin: germline.

Labcorp Genetics (formerly Invitae), Labcorp
Classification: Uncertain significance for Congenital hyperammonemia, type I. Last evaluated: 2022-08-23. Review status: criteria provided, single submitter. Criteria: Invitae Variant Classification Sherloc (09022015). Collection method: clinical testing. Allele origin: germline.
Comment: This sequence change replaces proline, which is neutral and non-polar, with alanine, which is neutral and non-polar, at codon 1418 of the CPS1 protein (p.Pro1418Ala). This variant is present in population databases (rs150966847, gnomAD 0.004%). This variant has not been reported in the literature in individuals affected with CPS1-related conditions. Algorithms developed to predict the effect of missense changes on protein structure and function (SIFT, PolyPhen-2, Align-GVGD) all suggest that this variant is likely to be tolerated. In summary, the available evidence is currently insufficient to determine the role of this variant in disease. Therefore, it has been classified as a Variant of Uncertain Significance.